The following is an entry in ClinVar:

NM_139027.6(ADAMTS13):c.1584+1G>A

Gene: ADAMTS13 (ADAM metallopeptidase with thrombospondin type 1 motif 13; plus strand). Cytogenetic location: 9q34.2.
Variant type: single nucleotide variant.
Coding change: c.1584+1G>A on transcript NM_139027.6 (MANE Select); the canonical splice donor site of the intron after coding-DNA position 1584, G replaced by A.
Molecular consequence: splice donor variant.
Genome position (GRCh38, 1-based): chr9:133,437,898, G>A. VCF-style: chr9-133437898-G-A. GRCh37 (hg19) VCF-style: chr9-136303018-G-A.
Other names: c.1584+1G>A (NM_139025.5); c.1491+1G>A (NM_139026.6).
Identifiers: ClinVar variation 3010771 (VCV003010771.3), dbSNP rs2491212714, ClinGen allele CA375392787.
Genomic context (GRCh38, chr9:133,437,898, plus strand): 5'-ATGCCAAGTGGCCCCCGGGAGGACGGGACCCTGAGCCTGTGTGTGTCGGGCAGCTGCAGG[G>A]TAGGCGTGTGTGGACATTGGCGATGGCCCTGGGGCCTACCTGTCCTATCGGAAGGCTCCT-3'

ClinVar aggregate classification (germline): Likely pathogenic (1 of 4 stars; one submission).

Allele frequency attached by ClinVar (database versions not stated): gnomAD exomes below 0.00001.
gnomAD v4.1: 1 of 1,613,450 alleles (0.000062%); highest among the groups gnomAD compares: Non-Finnish European, 0.000085%; no homozygotes.

Submission:

Labcorp Genetics (formerly Invitae), Labcorp
Classification: Likely pathogenic. Last evaluated: 2024-01-20. Review status: criteria provided, single submitter. Criteria: Invitae Variant Classification Sherloc (09022015). Collection method: clinical testing. Allele origin: germline.
Comment: This sequence change affects a donor splice site in intron 13 of the ADAMTS13 gene. It is expected to disrupt RNA splicing. Variants that disrupt the donor or acceptor splice site typically lead to a loss of protein function (PMID: 16199547), and loss-of-function variants in ADAMTS13 are known to be pathogenic (PMID: 11586351, 12753286, 21781265). This variant is not present in population databases (gnomAD no frequency). This variant has not been reported in the literature in individuals affected with ADAMTS13-related conditions. Algorithms developed to predict the effect of sequence changes on RNA splicing suggest that this variant may disrupt the consensus splice site. In summary, the currently available evidence indicates that the variant is pathogenic, but additional data are needed to prove that conclusively. Therefore, this variant has been classified as Likely Pathogenic.

Literature cited by the submitters: PubMed 16199547; PubMed 11586351; PubMed 12753286; PubMed 21781265.